The following is an entry in ClinVar:

NM_001308172.2(ACSM2A):c.1201G>A (p.Val401Ile)

Gene: ACSM2A (acyl-CoA synthetase medium chain family member 2A; plus strand). Cytogenetic location: 16p12.3.
Variant type: single nucleotide variant.
Coding change: c.1201G>A on transcript NM_001308172.2 (MANE Select); coding-DNA position 1201, G replaced by A.
Protein change: p.Val401Ile; replaces valine 401 with isoleucine.
Molecular consequence: missense variant.
Genome position (GRCh38, 1-based): chr16:20,478,597, G>A. VCF-style: chr16-20478597-G-A. GRCh37 (hg19) VCF-style: chr16-20489919-G-A.
Other names: c.964G>A, p.Val322Ile (NM_001308169.2); c.1201G>A, p.Val401Ile (NM_001308954.2); short protein forms V322I, V401I.
Identifiers: ClinVar variation 4821008 (VCV004821008.4).

ClinVar aggregate classification (germline): Likely benign (1 of 4 stars; one submission).

gnomAD v4.1: 664 of 1,613,828 alleles (0.041%); highest among the groups gnomAD compares: Non-Finnish European, 0.049%; no homozygotes.

Submission:

CeGaT Center for Human Genetics Tuebingen
Classification: Likely benign. Last evaluated: 2026-03-01. Review status: criteria provided, single submitter. Criteria: CeGaT Center For Human Genetics Tuebingen Variant Classification Criteria Version 2. Collection method: clinical testing. Allele origin: germline. Affected: yes. Observed: 1 variant allele.
Comment: ACSM2A: BP4